The following is an entry in ClinVar:

NM_001035.3(RYR2):c.1359C>T (p.Ser453=)

Gene: RYR2 (ryanodine receptor 2; plus strand). Cytogenetic location: 1q43.
Variant type: single nucleotide variant.
Coding change: c.1359C>T on transcript NM_001035.3 (MANE Select); coding-DNA position 1359, C replaced by T.
Protein change: p.Ser453=; no amino-acid change (serine 453 retained).
Molecular consequence: synonymous variant.
Genome position (GRCh38, 1-based): chr1:237,454,457, C>T. VCF-style: chr1-237454457-C-T. GRCh37 (hg19) VCF-style: chr1-237617757-C-T.
Other names: p.Ser453=.
Identifiers: ClinVar variation 43728 (VCV000043728.46), dbSNP rs3765097, ClinGen allele CA007981.
Genomic context (GRCh38, chr1:237,454,457, plus strand): 5'-TGATGCTCTCAGCAAGAAAGCGAAGGCTTCCACAGTCGATTTGCCTATAGAGTCCGTAAG[C>T]CTAAGTCTGCAGGATCTCATTGGCTACTTCCACCCCCCAGATGAGCATTTAGAGCATGAA-3'
Protein context (NP_001026.2, residues 443-463): STVDLPIESV[Ser453=]LSLQDLIGYF

ClinVar aggregate classification (germline): Benign. Review status: criteria provided, multiple submitters, no conflicts (2 of 4 stars). 20 submissions from 17 submitters: Benign (17). 3 of the submissions do not count toward it. Last evaluated 2026-02-04.

Conditions:
Cardiovascular phenotype. Identifiers: MedGen CN230736.
Cardiac arrhythmia. Also called: Arrhythmia; Cardiac rhythm disease. Identifiers: MedGen C0003811, MONDO:0007263, HP:0011675.
Catecholaminergic polymorphic ventricular tachycardia 1. Also called: VENTRICULAR TACHYCARDIA, CATECHOLAMINERGIC POLYMORPHIC, 1, WITH OR WITHOUT ATRIAL DYSFUNCTION AND/OR DILATED CARDIOMYOPATHY; VENTRICULAR TACHYCARDIA, STRESS-INDUCED POLYMORPHIC 1; RYR2-Related Catecholaminergic Polymorphic Ventricular Tachycardia. Identifiers: Orphanet 3286, MedGen C1631597, MONDO:0011484, OMIM 604772.
Cardiomyopathy (CMYO). Also called: Cardiomyopathies. Identifiers: Orphanet 167848, MedGen C0878544, MONDO:0004994, HP:0001638. Inheritance: Various modes of inheritance.
Arrhythmogenic right ventricular dysplasia 2. Identifiers: MedGen C1832931.
Catecholaminergic polymorphic ventricular tachycardia (CVPT). Also called: Catecholamine-induced polymorphic ventricular tachycardia. Identifiers: Orphanet 3286, MedGen C5574922, MONDO:0017990.

Allele frequency attached by ClinVar (database versions not stated): TOPMed 0.50734; ESP Exome Variant Server 0.51193; gnomAD 0.51474 and 0.52167; 1000 Genomes Project 30x 0.52623; 1000 Genomes Project 0.53574; ExAC 0.57552; gnomAD exomes 0.58238 and 0.60150.
gnomAD v4.1: 957,259 of 1,613,098 alleles (59%); highest among the groups gnomAD compares: East Asian, 77%; 288,745 homozygotes.

Submissions (20):

Labcorp Genetics (formerly Invitae), Labcorp
Classification: Benign for Catecholaminergic polymorphic ventricular tachycardia 1. Last evaluated: 2026-02-04. Review status: criteria provided, single submitter. Criteria: Invitae Variant Classification Sherloc (09022015). Collection method: clinical testing. Allele origin: germline.

Blueprint Genetics
Classification: Benign. Last evaluated: 2024-11-26. Review status: criteria provided, single submitter. Criteria: ACMG Guidelines, 2015. Collection method: clinical testing. Allele origin: germline.

All of Us Research Program, National Institutes of Health
Classification: Benign for Catecholaminergic polymorphic ventricular tachycardia. Last evaluated: 2024-02-05. Review status: criteria provided, single submitter. Criteria: ACMG Guidelines, 2015. Collection method: clinical testing. Allele origin: germline. Inheritance: Autosomal dominant inheritance. Observed: 86,560 variant alleles, 49,941 heterozygotes, 36,619 homozygotes.
Comment: This study involves interpretation of variants in research participants for the purpose of population health screening. Participant phenotype was not available at the time of variant classification. Additional details can be found in publication PMID: 35346344, PMCID: PMC8962531

Genome-Nilou Lab
Classification: Benign for Catecholaminergic polymorphic ventricular tachycardia 1. Last evaluated: 2021-11-07. Review status: criteria provided, single submitter. Criteria: ACMG Guidelines, 2015. Collection method: clinical testing. Allele origin: germline. Affected: no.

Genome-Nilou Lab
Classification: Benign for Ventricular arrhythmias due to cardiac ryanodine receptor calcium release deficiency syndrome. Last evaluated: 2021-11-07. Review status: criteria provided, single submitter. Criteria: ACMG Guidelines, 2015. Collection method: clinical testing. Allele origin: germline. Affected: no.

Genome-Nilou Lab
Classification: Benign for Catecholaminergic polymorphic ventricular tachycardia 1. Last evaluated: 2021-11-07. Review status: criteria provided, single submitter. Criteria: ACMG Guidelines, 2015. Collection method: clinical testing. Allele origin: germline. Affected: no.

Molecular Diagnostic Laboratory for Inherited Cardiovascular Disease, Montreal Heart Institute
Classification: Benign. Last evaluated: 2020-05-31. Review status: criteria provided, single submitter. Criteria: ACMG Guidelines, 2015. Collection method: clinical testing. Allele origin: germline. Affected: yes.

Color Diagnostics, LLC DBA Color Health
Classification: Benign for Cardiomyopathy. Last evaluated: 2018-03-15. Review status: criteria provided, single submitter. Criteria: ACMG Guidelines, 2015. Collection method: clinical testing. Allele origin: germline.

Illumina Laboratory Services, Illumina
Classification: Benign for Catecholaminergic polymorphic ventricular tachycardia 1. Last evaluated: 2018-01-13. Review status: criteria provided, single submitter. Criteria: ICSL Variant Classification Criteria 13 December 2019. Collection method: clinical testing. Allele origin: germline.
Comment: This variant was observed in the ICSL laboratory as part of a predisposition screen in an ostensibly healthy population. It had not been previously curated by ICSL or reported in the Human Gene Mutation Database (HGMD: prior to June 1st, 2018), and was therefore a candidate for classification through an automated scoring system. Utilizing variant allele frequency, disease prevalence and penetrance estimates, and inheritance mode, an automated score was calculated to assess if this variant is too frequent to cause the disease. Based on the score and internal cut-off values, a variant classified as benign is not then subjected to further curation. The score for this variant resulted in a classification of benign for this disease.

Illumina Laboratory Services, Illumina
Classification: Benign for Catecholaminergic polymorphic ventricular tachycardia 1. Last evaluated: 2018-01-13. Review status: criteria provided, single submitter. Criteria: ICSL Variant Classification Criteria 13 December 2019. Collection method: clinical testing. Allele origin: germline.
Comment: the same text as in the submission from Illumina Laboratory Services, Illumina above.

GeneDx
Classification: Benign. Last evaluated: 2015-03-03. Review status: criteria provided, single submitter. Criteria: GeneDx Variant Classification Process June 2021. Collection method: clinical testing. Allele origin: germline. Affected: yes.

Ambry Genetics
Classification: Benign for Cardiovascular phenotype. Last evaluated: 2014-12-08. Review status: criteria provided, single submitter. Criteria: Ambry Variant Classification Scheme 2023. Collection method: clinical testing. Allele origin: germline.

Eurofins Ntd Llc (ga)
Classification: Benign. Last evaluated: 2014-11-12. Review status: criteria provided, single submitter. Criteria: EGL Classification Definitions 2015. Collection method: clinical testing. Allele origin: germline. Observed: 1 variant allele, 1 heterozygote.

Mayo Clinic Laboratories, Mayo Clinic
Classification: Benign. Last evaluated: 2014-05-07. Review status: criteria provided, single submitter. Criteria: ACMG Guidelines, 2015. Collection method: clinical testing. Allele origin: germline. Observed: 1,033 variant alleles.

Laboratory for Molecular Medicine, Mass General Brigham Personalized Medicine
Classification: Benign. Last evaluated: 2011-09-16. Review status: criteria provided, single submitter. Criteria: LMM Criteria. Collection method: clinical testing. Allele origin: germline. Observed: 1,450 variant alleles.

Breakthrough Genomics
Classification: Benign. Review status: criteria provided, single submitter. Criteria: ACMG Guidelines, 2015. Collection method: not provided. Allele origin: germline. Inheritance: Autosomal dominant inheritance. Affected: yes.

PreventionGenetics, part of Exact Sciences
Classification: Benign. Review status: criteria provided, single submitter. Criteria: ACMG Guidelines, 2015. Collection method: clinical testing. Allele origin: germline.

Clinical Genetics, Academic Medical Center
Classification: Benign. Review status: no assertion criteria provided. Collection method: clinical testing. Allele origin: germline. Affected: yes. Study: VKGL Data-share Consensus. Not counted in ClinVar's aggregate classification.

Diagnostic Laboratory, Department of Genetics, University Medical Center Groningen
Classification: Benign. Review status: no assertion criteria provided. Collection method: clinical testing. Allele origin: germline. Affected: yes. Study: VKGL Data-share Consensus. Not counted in ClinVar's aggregate classification.

Joint Genome Diagnostic Labs from Nijmegen and Maastricht, Radboudumc and MUMC+
Classification: Benign. Review status: no assertion criteria provided. Collection method: clinical testing. Allele origin: germline. Affected: yes. Study: VKGL Data-share Consensus. Not counted in ClinVar's aggregate classification.